The following is an entry in ClinVar:

ClinVar aggregate classification (germline): Likely benign. Review status: criteria provided, multiple submitters, no conflicts (2 of 4 stars). 4 submissions from 4 submitters: Likely benign (3). 1 of the submissions does not count toward it. Last evaluated 2024-11-23.

Conditions:
LRP1-related disorder. Also called: LRP1-related condition.

Allele frequency attached by ClinVar (database versions not stated): ESP Exome Variant Server 0.00038; gnomAD 0.00051 and 0.00061; TOPMed 0.00066; 1000 Genomes Project 0.00080; gnomAD exomes 0.00089 and 0.00123; 1000 Genomes Project 30x 0.00094; ExAC 0.00114.
gnomAD v4.1: 1,400 of 1,594,118 alleles (0.088%); highest among the groups gnomAD compares: South Asian, 0.51%; 5 homozygotes.

Submissions (4):

Blueprint Genetics
Classification: Likely benign. Last evaluated: 2024-11-23. Review status: criteria provided, single submitter. Criteria: ACMG Guidelines, 2015. Collection method: clinical testing. Allele origin: germline.

Labcorp Genetics (formerly Invitae), Labcorp
Classification: Likely benign. Last evaluated: 2019-12-31. Review status: criteria provided, single submitter. Criteria: Invitae Variant Classification Sherloc (09022015). Collection method: clinical testing. Allele origin: germline.

Breakthrough Genomics
Classification: Likely benign. Review status: criteria provided, single submitter. Criteria: ACMG Guidelines, 2015. Collection method: not provided. Allele origin: germline. Inheritance: Autosomal recessive inheritance. Affected: yes.

PreventionGenetics, part of Exact Sciences
Classification: Benign for LRP1-related condition. Last evaluated: 2020-09-14. Review status: no assertion criteria provided. Collection method: clinical testing. Allele origin: germline. Not counted in ClinVar's aggregate classification.
Comment: This variant is classified as benign based on ACMG/AMP sequence variant interpretation guidelines (Richards et al. 2015 PMID: 25741868, with internal and published modifications).

NM_002332.3(LRP1):c.7415A>G (p.Asn2472Ser)

Gene: LRP1 (LDL receptor related protein 1; plus strand). Cytogenetic location: 12q13.3.
Variant type: single nucleotide variant.
Coding change: c.7415A>G on transcript NM_002332.3 (MANE Select); coding-DNA position 7415, A replaced by G.
Protein change: p.Asn2472Ser; replaces asparagine 2472 with serine.
Molecular consequence: missense variant.
Genome position (GRCh38, 1-based): chr12:57,191,498, A>G. VCF-style: chr12-57191498-A-G. GRCh37 (hg19) VCF-style: chr12-57585281-A-G.
Other names: short protein forms N2472S.
Identifiers: ClinVar variation 708951 (VCV000708951.8), dbSNP rs148875245, ClinGen allele CA6644030.